The following is an entry in ClinVar:

NC_000020.10:g.(?_45338287)_(45355626_45357991)dup

Gene: SLC2A10 (solute carrier family 2 member 10; plus strand). Cytogenetic location: 20q13.12.
Variant type: Duplication.
Identifiers: ClinVar variation 3374983 (VCV003374983.1).

ClinVar aggregate classification (germline): Uncertain significance (1 of 4 stars; one submission).

Submission:

Women's Health and Genetics/Laboratory Corporation of America, LabCorp
Classification: Uncertain significance. Last evaluated: 2024-09-09. Review status: criteria provided, single submitter. Criteria: LabCorp Variant Classification Summary - May 2015. Collection method: clinical testing. Allele origin: germline.
Comment: Variant summary: The variant involves the duplication of exons 1-3 in the SLC2A10 gene. A presumed nomenclature of c.(?_-89)_(1411+1_1412-1)dup has been designated for the purposes of this classification. The exact breakpoint at the 5' end of this variant is unknown, therefore this duplication may extend upstream of the annotated region of this gene. It is predicted to duplicate a segment including the initiation codon, therefore its impact on the encoded protein is unknown. The variant was absent in 21692 control chromosomes. The available data on variant occurrences in the general population are insufficient to allow any conclusion about variant significance. To our knowledge, no occurrence of c.(?_-89)_(1411+1_1412-1)dup in individuals affected with SLC2A10-related conditions and no experimental evidence demonstrating its impact on protein function have been reported. No submitters have cited clinical-significance assessments for this variant to ClinVar. Based on the evidence outlined above, the variant was classified as uncertain significance.